The following is an entry in ClinVar:

ClinVar aggregate classification (germline): Uncertain significance (1 of 4 stars; one submission).

Conditions:
Hereditary cancer-predisposing syndrome. Also called: Tumor predisposition; Neoplastic Syndromes, Hereditary; Hereditary neoplastic syndrome; Hereditary Cancer Syndrome. Identifiers: Orphanet 140162, MedGen C0027672, MeSH D009386, MONDO:0015356.

Submission:

Ambry Genetics
Classification: Uncertain significance for Hereditary cancer-predisposing syndrome. Last evaluated: 2024-09-25. Review status: criteria provided, single submitter. Criteria: Ambry Variant Classification Scheme 2023. Collection method: clinical testing. Allele origin: germline.
Comment: The p.F63I variant (also known as c.187T>A), located in coding exon 3 of the ATM gene, results from a T to A substitution at nucleotide position 187. The phenylalanine at codon 63 is replaced by isoleucine, an amino acid with highly similar properties. This amino acid position is well conserved in available vertebrate species. In addition, this alteration is predicted to be tolerated by in silico analysis. Based on the available evidence, the clinical significance of this variant remains unclear.

NM_000051.4(ATM):c.187T>A (p.Phe63Ile)

Gene: ATM (ATM serine/threonine kinase; plus strand). Cytogenetic location: 11q22.3.
Variant type: single nucleotide variant.
Coding change: c.187T>A on transcript NM_000051.4 (MANE Select); coding-DNA position 187, T replaced by A.
Protein change: p.Phe63Ile; replaces phenylalanine 63 with isoleucine.
Molecular consequence: missense variant.
Genome position (GRCh38, 1-based): chr11:108,229,179, T>A. VCF-style: chr11-108229179-T-A. GRCh37 (hg19) VCF-style: chr11-108099906-T-A.
Other names: c.187T>A, p.Phe63Ile (NM_001351834.2, NM_001351835.2, NM_001351836.2); short protein forms F63I.
Identifiers: ClinVar variation 3451229 (VCV003451229.1).